The following is an entry in ClinVar:

ClinVar aggregate classification (germline): Uncertain significance. Review status: criteria provided, multiple submitters, no conflicts (2 of 4 stars). 3 submissions from 3 submitters: Uncertain significance (3). Last evaluated 2026-06-15.

Conditions:
MKS1-related disorder. Also called: MKS1-related disorders; MKS1-related condition. Identifiers: MedGen CN239382.
Meckel-Gruber syndrome. Also called: DYSENCEPHALIA SPLANCHNOCYSTICA; GRUBER SYNDROME; Dysencephalia splachnocystica. Identifiers: Orphanet 564, MedGen C0265215, MONDO:0018921.
Joubert syndrome. Also called: Familial aplasia of the vermis; JOUBERT-BOLTSHAUSER SYNDROME. Identifiers: Orphanet 475, MedGen C5979921, MONDO:0018772.

Allele frequency attached by ClinVar (database versions not stated): gnomAD exomes 0.00002 and 0.00003; TOPMed 0.00002; gnomAD 0.00003 and 0.00004; ExAC 0.00004.
gnomAD v4.1: 32 of 1,614,020 alleles (0.002%); highest among the groups gnomAD compares: East Asian, 0.033%; no homozygotes.

Submissions (3):

PreventionGenetics, part of Exact Sciences
Classification: Uncertain significance for MKS1-related condition. Last evaluated: 2026-06-15. Review status: criteria provided, single submitter. Criteria: ACMG Guidelines, 2015. Collection method: clinical testing. Allele origin: germline.
Comment: The MKS1 c.869G>A variant is predicted to result in the amino acid substitution p.Arg290Gln. To our knowledge, this variant has not been reported in the literature. This variant is reported in 0.031% of alleles in individuals of East Asian descent in gnomAD. At this time, the clinical significance of this variant is uncertain due to the absence of conclusive functional and genetic evidence.

Labcorp Genetics (formerly Invitae), Labcorp
Classification: Uncertain significance for Joubert syndrome; Meckel-Gruber syndrome. Last evaluated: 2025-12-03. Review status: criteria provided, single submitter. Criteria: Invitae Variant Classification Sherloc (09022015). Collection method: clinical testing. Allele origin: germline.
Comment: This sequence change replaces arginine, which is basic and polar, with glutamine, which is neutral and polar, at codon 290 of the MKS1 protein (p.Arg290Gln). This variant is present in population databases (rs755840522, gnomAD 0.04%). This variant has not been reported in the literature in individuals affected with MKS1-related conditions. ClinVar contains an entry for this variant (Variation ID: 596736). Invitae Evidence Modeling of protein sequence and biophysical properties (such as structural, functional, and spatial information, amino acid conservation, physicochemical variation, residue mobility, and thermodynamic stability) indicates that this missense variant is not expected to disrupt MKS1 protein function with a negative predictive value of 80%. In summary, the available evidence is currently insufficient to determine the role of this variant in disease. Therefore, it has been classified as a Variant of Uncertain Significance.

Eurofins Ntd Llc (ga)
Classification: Uncertain significance. Last evaluated: 2018-04-16. Review status: criteria provided, single submitter. Criteria: EGL ClinVar v180209 classification definitions. Collection method: clinical testing. Allele origin: germline. Observed: 1 variant allele, 1 heterozygote.

NM_017777.4(MKS1):c.869G>A (p.Arg290Gln)

Gene: MKS1 (MKS transition zone complex subunit 1; minus strand). Cytogenetic location: 17q22.
Variant type: single nucleotide variant.
Coding change: c.869G>A on transcript NM_017777.4 (MANE Select); coding-DNA position 869, G replaced by A.
Protein change: p.Arg290Gln; replaces arginine 290 with glutamine.
Molecular consequence: missense variant.
Genome position (GRCh38, 1-based): chr17:58,212,424, C>T on the plus strand (G>A on the coding strand, the complement: MKS1 is on the minus strand). VCF-style: chr17-58212424-C-T. GRCh37 (hg19) VCF-style: chr17-56289785-C-T.
Other names: c.260G>A, p.Arg87Gln (NM_001321268.2); c.869G>A, p.Arg290Gln (NM_001321269.2, NM_001330397.2); c.869G>A (NM_017777.3); short protein forms R290Q, R87Q.
Identifiers: ClinVar variation 596736 (VCV000596736.10), dbSNP rs755840522, ClinGen allele CA8669371.